The following is an entry in ClinVar:

NM_003321.5(TUFM):c.478C>T (p.Pro160Ser)

Gene: TUFM (Tu translation elongation factor, mitochondrial; minus strand). Cytogenetic location: 16p11.2.
Variant type: single nucleotide variant.
Coding change: c.478C>T on transcript NM_003321.5 (MANE Select); coding-DNA position 478, C replaced by T.
Protein change: p.Pro160Ser; replaces proline 160 with serine.
Molecular consequence: missense variant.
Genome position (GRCh38, 1-based): chr16:28,844,992, G>A on the plus strand (C>T on the coding strand, the complement: TUFM is on the minus strand). VCF-style: chr16-28844992-G-A. GRCh37 (hg19) VCF-style: chr16-28856313-G-A.
Other names: c.478C>T, p.Pro160Ser (NM_001365360.2); short protein forms P160S.
Identifiers: ClinVar variation 2030878 (VCV002030878.4), dbSNP rs2544831240, ClinGen allele CA395417591.

ClinVar aggregate classification (germline): Uncertain significance (1 of 4 stars; one submission).

Submission:

Labcorp Genetics (formerly Invitae), Labcorp
Classification: Uncertain significance. Last evaluated: 2025-01-06. Review status: criteria provided, single submitter. Criteria: Invitae Variant Classification Sherloc (09022015). Collection method: clinical testing. Allele origin: germline.
Comment: This sequence change replaces proline, which is neutral and non-polar, with serine, which is neutral and polar, at codon 160 of the TUFM protein (p.Pro160Ser). This variant is not present in population databases (gnomAD no frequency). This variant has not been reported in the literature in individuals affected with TUFM-related conditions. ClinVar contains an entry for this variant (Variation ID: 2030878). Invitae Evidence Modeling of protein sequence and biophysical properties (such as structural, functional, and spatial information, amino acid conservation, physicochemical variation, residue mobility, and thermodynamic stability) indicates that this missense variant is not expected to disrupt TUFM protein function with a negative predictive value of 80%. In summary, the available evidence is currently insufficient to determine the role of this variant in disease. Therefore, it has been classified as a Variant of Uncertain Significance.